The following is an entry in ClinVar:

NM_000494.4(COL17A1):c.3166G>A (p.Asp1056Asn)

Gene: COL17A1 (collagen type XVII alpha 1 chain; minus strand). Cytogenetic location: 10q25.1.
Variant type: single nucleotide variant.
Coding change: c.3166G>A on transcript NM_000494.4 (MANE Select); coding-DNA position 3166, G replaced by A.
Protein change: p.Asp1056Asn; replaces aspartic acid 1056 with asparagine.
Molecular consequence: missense variant.
Genome position (GRCh38, 1-based): chr10:104,037,678, C>T on the plus strand (G>A on the coding strand, the complement: COL17A1 is on the minus strand). VCF-style: chr10-104037678-C-T. GRCh37 (hg19) VCF-style: chr10-105797436-C-T.
Other names: short protein forms D1056N.
Identifiers: ClinVar variation 4989630 (VCV004989630.1).
Genomic context (GRCh38, chr10:104,037,678, plus strand): 5'-GCGTGGGGAAGGGCTTACTCCGTAAGTAGCTCACAACGTGGCTTGCCAGCTCTGAGTAGT[C>T]GAAAGTCTCGCCTGTGATGGTGGTGACAGGTCCTGGGGGACCAGGTGGGCCTGGGGGACC-3'
Protein context (NP_000485.3, residues 1046-1066): PVTTITGETF[Asp1056Asn]YSELASHVVS

ClinVar aggregate classification (germline): Uncertain significance (1 of 4 stars; one submission).

Conditions:
COL17A1-related disorder. Also called: COL17A1-related condition.

gnomAD v4.1: 8 of 1,614,164 alleles (0.0005%); highest among the groups gnomAD compares: Middle Eastern, 0.017%; no homozygotes.

Submission:

PreventionGenetics, part of Exact Sciences
Classification: Uncertain significance for COL17A1-related condition. Last evaluated: 2026-07-10. Review status: criteria provided, single submitter. Criteria: ACMG Guidelines, 2015. Collection method: clinical testing. Allele origin: germline.
Comment: The COL17A1 c.3166G>A variant is predicted to result in the amino acid substitution p.Asp1056Asn. To our knowledge, this variant has not been reported in the literature. This variant is reported in 0.0062% of alleles in individuals of African descent in gnomAD. At this time, the clinical significance of this variant is uncertain due to the absence of conclusive functional and genetic evidence.